The following is an entry in ClinVar:

ClinVar aggregate classification (germline): Uncertain significance (1 of 4 stars; one submission).

Conditions:
Hereditary cancer-predisposing syndrome. Also called: Neoplastic Syndromes, Hereditary; Tumor predisposition; Hereditary Cancer Syndrome; Hereditary neoplastic syndrome. Identifiers: Orphanet 140162, MedGen C0027672, MeSH D009386, MONDO:0015356.

Submission:

Ambry Genetics
Classification: Uncertain significance for Hereditary cancer-predisposing syndrome. Last evaluated: 2022-02-21. Review status: criteria provided, single submitter. Criteria: Ambry Variant Classification Scheme 2023. Collection method: clinical testing. Allele origin: germline.
Comment: The p.P350S variant (also known as c.1048C>T), located in coding exon 3 of the AXIN2 gene, results from a C to T substitution at nucleotide position 1048. The proline at codon 350 is replaced by serine, an amino acid with similar properties. This amino acid position is conserved. In addition, this alteration is predicted to be deleterious by in silico analysis. Since supporting evidence is limited at this time, the clinical significance of this alteration remains unclear.

NM_004655.4(AXIN2):c.1048C>T (p.Pro350Ser)

Gene: AXIN2 (axin 2; minus strand). Cytogenetic location: 17q24.1.
Variant type: single nucleotide variant.
Coding change: c.1048C>T on transcript NM_004655.4 (MANE Select); coding-DNA position 1048, C replaced by T.
Protein change: p.Pro350Ser; replaces proline 350 with serine.
Molecular consequence: missense variant.
Genome position (GRCh38, 1-based): chr17:65,541,466, G>A on the plus strand (C>T on the coding strand, the complement: AXIN2 is on the minus strand). VCF-style: chr17-65541466-G-A. GRCh37 (hg19) VCF-style: chr17-63537584-G-A.
Other names: c.1048C>T, p.Pro350Ser (NM_001363813.1); short protein forms P350S.
Identifiers: ClinVar variation 1776058 (VCV001776058.2), dbSNP rs2044041657, ClinGen allele CA400679109.